The following is an entry in ClinVar:

ClinVar aggregate classification (germline): Pathogenic (1 of 4 stars; one submission).

Conditions:
Fanconi anemia (FA). Also called: Fanconi's anemia. Identifiers: Orphanet 84, MedGen C0015625, MeSH D005199, MONDO:0019391.

Submissions (2):

Labcorp Genetics (formerly Invitae), Labcorp
Classification: Pathogenic for Fanconi anemia. Last evaluated: 2023-11-08. Review status: criteria provided, single submitter. Criteria: Invitae Variant Classification Sherloc (09022015). Collection method: clinical testing. Allele origin: germline.
Comment: This sequence change affects an acceptor splice site in intron 8 of the FANCA gene. RNA analysis indicates that disruption of this splice site induces altered splicing and may result in an absent or disrupted protein product. This variant is not present in population databases (gnomAD no frequency). Disruption of this splice site has been observed in individual(s) with Fanconi anemia (PMID: 24584348). ClinVar contains an entry for this variant (Variation ID: 835280). Studies have shown that disruption of this splice site results in skipping of exon 9, and activation of a cryptic splice site in intron 8 and introduces a premature termination codon (PMID: 24584348). The resulting mRNA is expected to undergo nonsense-mediated decay. For these reasons, this variant has been classified as Pathogenic.

Dr. Peter K. Rogan Lab, Western University
No classification provided (evidence only). Condition: Ovarian serous cystadenocarcinoma. Review status: no classification provided. Collection method: in vitro. Allele origin: not applicable. Functional consequence: retained intron. Not counted in ClinVar's aggregate classification.

Literature cited by the submitters: PubMed 24584348 (cited by Labcorp Genetics (formerly Invitae), Labcorp).

NM_000135.4(FANCA):c.793-1G>C

Gene: FANCA (FA complementation group A; minus strand). Cytogenetic location: 16q24.3.
Variant type: single nucleotide variant.
Coding change: c.793-1G>C on transcript NM_000135.4 (MANE Select); the canonical splice acceptor site of the intron before coding-DNA position 793, G replaced by C.
Molecular consequence: splice acceptor variant.
Genome position (GRCh38, 1-based): chr16:89,799,639, C>G on the plus strand (G>C on the coding strand, the complement: FANCA is on the minus strand). VCF-style: chr16-89799639-C-G. GRCh37 (hg19) VCF-style: chr16-89866047-C-G.
Other names: c.793-1G>C (NM_001286167.3, NM_001018112.3); c.697-1G>C (NM_001351830.2).
Identifiers: ClinVar variation 835280 (VCV000835280.9), dbSNP rs1567642367, ClinGen allele CA397473712.